The following is an entry in ClinVar:

NC_000003.11:g.(?_132410016)_(132411682_?)del

Gene: NPHP3 (nephrocystin 3; minus strand). Cytogenetic location: 3q22.1.
Variant type: Deletion.
Identifiers: ClinVar variation 2427428 (VCV002427428.4).

ClinVar aggregate classification (germline): Pathogenic (1 of 4 stars; one submission).

Conditions:
Nephronophthisis. Also called: Juvenile Nephronophthisis. Identifiers: Orphanet 655, MedGen C0687120, MONDO:0019005, HP:0000090.

Submission:

Labcorp Genetics (formerly Invitae), Labcorp
Classification: Pathogenic for Nephronophthisis. Last evaluated: 2022-06-13. Review status: criteria provided, single submitter. Criteria: Invitae Variant Classification Sherloc (09022015). Collection method: clinical testing. Allele origin: germline.
Comment: For these reasons, this variant has been classified as Pathogenic. This variant has not been reported in the literature in individuals affected with NPHP3-related conditions. This variant is a gross deletion of the genomic region encompassing exon(s) 17-18 of the NPHP3 gene. This deletion is out-of-frame, and is expected to create a premature termination codon and result in an absent or disrupted protein product. Loss-of-function variants in NPHP3 are known to be pathogenic (PMID: 18371931, 23559409).

Literature cited by the submitters: PubMed 18371931; PubMed 23559409.